The following is an entry in ClinVar:

ClinVar aggregate classification (germline): Likely benign (0 of 4 stars; one submission).

Conditions:
CLTCL1-related disorder. Also called: CLTCL1-related condition.

Allele frequency attached by ClinVar (database versions not stated): gnomAD exomes 0.00002; ExAC 0.00003; gnomAD 0.00003; TOPMed 0.00003; 1000 Genomes Project 30x 0.00016.
gnomAD v4.1: 15 of 1,609,912 alleles (0.00093%); highest among the groups gnomAD compares: Admixed American, 0.023%; no homozygotes.

Submission:

PreventionGenetics, part of Exact Sciences
Classification: Likely benign for CLTCL1-related condition. Last evaluated: 2019-11-27. Review status: no assertion criteria provided. Collection method: clinical testing. Allele origin: germline.
Comment: This variant is classified as likely benign based on ACMG/AMP sequence variant interpretation guidelines (Richards et al. 2015 PMID: 25741868, with internal and published modifications).

NM_007098.4(CLTCL1):c.520-5C>T

Gene: CLTCL1 (clathrin heavy chain like 1; minus strand). Cytogenetic location: 22q11.21.
Variant type: single nucleotide variant.
Coding change: c.520-5C>T on transcript NM_007098.4 (MANE Select); 5 bases into the intron before coding-DNA position 520, C replaced by T.
Molecular consequence: intron variant.
Genome position (GRCh38, 1-based): chr22:19,242,941, G>A on the plus strand (C>T on the coding strand, the complement: CLTCL1 is on the minus strand). VCF-style: chr22-19242941-G-A. GRCh37 (hg19) VCF-style: chr22-19230464-G-A.
Other names: c.520-5C>T (NM_001835.4).
Identifiers: ClinVar variation 3048132 (VCV003048132.2), dbSNP rs782626385, ClinGen allele CA10098968.